The following is an entry in ClinVar:

ClinVar aggregate classification (germline): Uncertain significance (1 of 4 stars; one submission).

Conditions:
Cardiovascular phenotype. Identifiers: MedGen CN230736.

gnomAD v4.1: 3 of 1,613,908 alleles (0.00019%); highest among the groups gnomAD compares: African/African-American, 0.0027%; no homozygotes.

Submission:

Ambry Genetics
Classification: Uncertain significance for Cardiovascular phenotype. Last evaluated: 2025-02-09. Review status: criteria provided, single submitter. Criteria: Ambry Variant Classification Scheme 2023. Collection method: clinical testing. Allele origin: germline.
Comment: The p.I921T variant (also known as c.2762T>C), located in coding exon 18 of the FLNC gene, results from a T to C substitution at nucleotide position 2762. The isoleucine at codon 921 is replaced by threonine, an amino acid with similar properties. This amino acid position is conserved. In addition, this alteration is predicted to be deleterious by in silico analysis. Based on the available evidence, the clinical significance of this variant remains unclear.

NM_001458.5(FLNC):c.2762T>C (p.Ile921Thr)

Gene: FLNC (filamin C; plus strand). Cytogenetic location: 7q32.1.
Variant type: single nucleotide variant.
Coding change: c.2762T>C on transcript NM_001458.5 (MANE Select); coding-DNA position 2762, T replaced by C.
Protein change: p.Ile921Thr; replaces isoleucine 921 with threonine.
Molecular consequence: missense variant.
Genome position (GRCh38, 1-based): chr7:128,843,528, T>C. VCF-style: chr7-128843528-T-C. GRCh37 (hg19) VCF-style: chr7-128483582-T-C.
Other names: c.2762T>C, p.Ile921Thr (NM_001127487.2); short protein forms I921T.
Identifiers: ClinVar variation 3850789 (VCV003850789.1).
Genomic context (GRCh38, chr7:128,843,528, plus strand): 5'-AGCTGGATGTGCAGTTTGCAGGGACAGCCAAGGGCGAGGTTGTGCGGGACTTTGAGATCA[T>C]AGACAACCATGACTACTCCTACACTGTCAAGTACACCGCTGTCCAGCAGGTGCGCTCTGC-3'
Protein context (NP_001449.3, residues 911-931): KGEVVRDFEI[Ile921Thr]DNHDYSYTVK